The following is an entry in ClinVar:

NM_000962.4(PTGS1):c.412T>C (p.Trp138Arg)

Gene: PTGS1 (prostaglandin-endoperoxide synthase 1; plus strand). Cytogenetic location: 9q33.2.
Variant type: single nucleotide variant.
Coding change: c.412T>C on transcript NM_000962.4 (MANE Select); coding-DNA position 412, T replaced by C.
Protein change: p.Trp138Arg; replaces tryptophan 138 with arginine.
Molecular consequence: missense variant. On other transcripts: intron variant (1).
Genome position (GRCh38, 1-based): chr9:122,378,834, T>C. VCF-style: chr9-122378834-T-C. GRCh37 (hg19) VCF-style: chr9-125141113-T-C.
Other names: c.85T>C, p.Trp29Arg (NM_001271165.2, NM_001271166.2, NM_001271367.2); c.337T>C, p.Trp113Arg (NM_001271368.2); c.412T>C, p.Trp138Arg (NM_080591.3); c.352+261T>C (NM_001271164.2); short protein forms W113R, W138R, W29R.
Identifiers: ClinVar variation 2572654 (VCV002572654.1), dbSNP rs137938866, ClinGen allele CA5224792.

ClinVar aggregate classification (germline): Uncertain significance (1 of 4 stars; one submission).

Conditions:
Hemorrhage. Identifiers: MedGen C0019080, MeSH D006470.

Allele frequency attached by ClinVar (database versions not stated): ExAC 0.00002; TOPMed 0.00005; gnomAD 0.00007; ESP Exome Variant Server 0.00008.
gnomAD v4.1: 146 of 1,614,144 alleles (0.009%); highest among the groups gnomAD compares: Non-Finnish European, 0.012%; no homozygotes.

Submission:

ISTH-SSC Genomics in Thrombosis and Hemostasis, KU Leuven, Center for Molecular and Vascular Biology
Classification: Uncertain significance for Hemorrhage. Review status: criteria provided, single submitter. Criteria: ACMG Guidelines, 2015. Collection method: clinical testing. Allele origin: germline. Affected: yes. Observed: 2 heterozygotes. Clinical features observed: bleeding.
Comment: Submitted to the GoldVariant database by Dr Marie-Christine Morel-Kopp; Northern Blood Research Centre, Sydney, Australia